The following is an entry in ClinVar:

NM_000301.5(PLG):c.1588-20A>C

Gene: PLG (plasminogen; plus strand). Cytogenetic location: 6q26.
Variant type: single nucleotide variant.
Coding change: c.1588-20A>C on transcript NM_000301.5 (MANE Select); 20 bases into the intron before coding-DNA position 1588, A replaced by C.
Molecular consequence: intron variant.
Genome position (GRCh38, 1-based): chr6:160,733,975, A>C. VCF-style: chr6-160733975-A-C. GRCh37 (hg19) VCF-style: chr6-161155007-A-C.
Identifiers: ClinVar variation 4691682 (VCV004691682.1).

ClinVar aggregate classification (germline): Uncertain significance (1 of 4 stars; one submission).

gnomAD v4.1: 32 of 1,417,870 alleles (0.0023%); highest among the groups gnomAD compares: Non-Finnish European, 0.0031%; no homozygotes.

Submission:

Labcorp Genetics (formerly Invitae), Labcorp
Classification: Uncertain significance. Last evaluated: 2025-04-20. Review status: criteria provided, single submitter. Criteria: Invitae Variant Classification Sherloc (09022015). Collection method: clinical testing. Allele origin: germline.
Comment: This sequence change falls in intron 12 of the PLG gene. It does not directly change the encoded amino acid sequence of the PLG protein. This variant is present in population databases (no rsID available, gnomAD 0.004%). This variant has not been reported in the literature in individuals affected with PLG-related conditions. Algorithms developed to predict the effect of sequence changes on RNA splicing suggest that this variant may disrupt the consensus splice site. In summary, the available evidence is currently insufficient to determine the role of this variant in disease. Therefore, it has been classified as a Variant of Uncertain Significance.